The following is an entry in ClinVar:

ClinVar aggregate classification (germline): Uncertain significance (1 of 4 stars; one submission).

Conditions:
Fetal anomalies with a likely genetic cause.

Submission:

Genetics Laboratory, Great Ormond Street Hospital NHS Foundation Trust, North Thames Genomic Laboratory Hub
Classification: Uncertain significance for Fetal anomalies with a likely genetic cause. Last evaluated: 2026-03-04. Review status: criteria provided, single submitter. Criteria: ACGS Best Practice Guidelines for Variant Classification in Rare Disease 2024 v1.2. Collection method: clinical testing. Allele origin: germline. Affected: yes.
Comment: PVS1_very-strong

NM_152564.5(VPS13B):c.9331_9332insTTTTTTTTTTTTTTTTTTTTTT (p.Tyr3111fs)

Gene: VPS13B (vacuolar protein sorting 13 homolog B; plus strand). Cytogenetic location: 8q22.2.
Variant type: Insertion.
Coding change: c.9331_9332insTTTTTTTTTTTTTTTTTTTTTT on transcript NM_152564.5 (MANE Select); coding-DNA positions 9331 to 9332, TTTTTTTTTTTTTTTTTTTTTT inserted.
Protein change: p.Tyr3111fs; shifts the reading frame from tyrosine 3111.
Molecular consequence: frameshift variant.
Genome position: GRCh38 VCF-style: chr8-99832368-G-GTTTTTTTTTTTTTTTTTTTTTT. GRCh37 (hg19) VCF-style: chr8-100844596-G-GTTTTTTTTTTTTTTTTTTTTTT.
Other names: c.9406_9407insTTTTTTTTTTTTTTTTTTTTTT, p.Tyr3136fs (NM_017890.5); short protein forms Y3111fs, Y3136fs.
Identifiers: ClinVar variation 4849531 (VCV004849531.1).
Genomic context (GRCh38, chr8:99,832,368, plus strand): 5'-CTGCTGTATTACTGTAGCTAATGTGCTCTCTGCATTTTTTTTTTTTTTTTTTTTTTTTTA[G>GTTTTTTTTTTTTTTTTTTTTTT]TATTTTCGTGTTCCAGACAGTGCTACTTTTAGCATTTGCCCAGGTGGAGAGCAGCCTGCT-3'